The following is an entry in ClinVar:

NM_002485.5(NBN):c.1103A>G (p.Glu368Gly)

Gene: NBN (nibrin; minus strand). Cytogenetic location: 8q21.3.
Variant type: single nucleotide variant.
Coding change: c.1103A>G on transcript NM_002485.5 (MANE Select); coding-DNA position 1103, A replaced by G.
Protein change: p.Glu368Gly; replaces glutamic acid 368 with glycine.
Molecular consequence: missense variant.
Genome position (GRCh38, 1-based): chr8:89,958,746, T>C on the plus strand (A>G on the coding strand, the complement: NBN is on the minus strand). VCF-style: chr8-89958746-T-C. GRCh37 (hg19) VCF-style: chr8-90970974-T-C.
Other names: c.857A>G, p.Glu286Gly (NM_001024688.3); short protein forms E286G, E368G.
Identifiers: ClinVar variation 2908262 (VCV002908262.3), dbSNP rs2488260154, ClinGen allele CA371656605.

ClinVar aggregate classification (germline): Uncertain significance (1 of 4 stars; one submission).

Conditions:
Microcephaly, normal intelligence and immunodeficiency (NBS). Also called: SEEMANOVA SYNDROME II; Ataxia telangiectasia variant V1; Nijmegen breakage syndrome; IMMUNODEFICIENCY, MICROCEPHALY, AND CHROMOSOMAL INSTABILITY; Immunodeficiency, microcephaly with normal intelligence; Microcephaly with normal intelligence immunodeficiency and lymphoreticular malignancies. Identifiers: Orphanet 647, MedGen C0398791, MONDO:0009623, OMIM 251260.

Submission:

Labcorp Genetics (formerly Invitae), Labcorp
Classification: Uncertain significance for Microcephaly, normal intelligence and immunodeficiency. Last evaluated: 2022-11-17. Review status: criteria provided, single submitter. Criteria: Invitae Variant Classification Sherloc (09022015). Collection method: clinical testing. Allele origin: germline.
Comment: This sequence change replaces glutamic acid, which is acidic and polar, with glycine, which is neutral and non-polar, at codon 368 of the NBN protein (p.Glu368Gly). This variant is not present in population databases (gnomAD no frequency). In summary, the available evidence is currently insufficient to determine the role of this variant in disease. Therefore, it has been classified as a Variant of Uncertain Significance. Algorithms developed to predict the effect of missense changes on protein structure and function are either unavailable or do not agree on the potential impact of this missense change (SIFT: "Tolerated"; PolyPhen-2: "Possibly Damaging"; Align-GVGD: "Class C0"). This variant has not been reported in the literature in individuals affected with NBN-related conditions.